The following is an entry in ClinVar:

NM_000553.6(WRN):c.2088G>A (p.Met696Ile)

Gene: WRN (WRN RecQ like helicase; plus strand). Cytogenetic location: 8p12.
Variant type: single nucleotide variant.
Coding change: c.2088G>A on transcript NM_000553.6 (MANE Select); coding-DNA position 2088, G replaced by A.
Protein change: p.Met696Ile; replaces methionine 696 with isoleucine.
Molecular consequence: missense variant.
Genome position (GRCh38, 1-based): chr8:31,100,955, G>A. VCF-style: chr8-31100955-G-A. GRCh37 (hg19) VCF-style: chr8-30958471-G-A.
Other names: short protein forms M696I.
Identifiers: ClinVar variation 2070441 (VCV002070441.4), dbSNP rs1269320702, ClinGen allele CA370909057.

ClinVar aggregate classification (germline): Uncertain significance (1 of 4 stars; one submission).

Conditions:
Werner syndrome (WRN). Identifiers: Orphanet 902, MedGen C0043119, MONDO:0010196, OMIM 277700.

Submission:

Labcorp Genetics (formerly Invitae), Labcorp
Classification: Uncertain significance for Werner syndrome. Last evaluated: 2022-01-02. Review status: criteria provided, single submitter. Criteria: Invitae Variant Classification Sherloc (09022015). Collection method: clinical testing. Allele origin: germline.
Comment: In summary, the available evidence is currently insufficient to determine the role of this variant in disease. Therefore, it has been classified as a Variant of Uncertain Significance. Variants that disrupt the consensus splice site are a relatively common cause of aberrant splicing (PMID: 17576681, 9536098). Algorithms developed to predict the effect of sequence changes on RNA splicing suggest that this variant may disrupt the consensus splice site. Algorithms developed to predict the effect of missense changes on protein structure and function are either unavailable or do not agree on the potential impact of this missense change (SIFT: "Not Available"; PolyPhen-2: "Benign"; Align-GVGD: "Not Available"). This variant has not been reported in the literature in individuals affected with WRN-related conditions. This variant is not present in population databases (gnomAD no frequency). This sequence change replaces methionine, which is neutral and non-polar, with isoleucine, which is neutral and non-polar, at codon 696 of the WRN protein (p.Met696Ile). This variant also falls at the last nucleotide of exon 18, which is part of the consensus splice site for this exon.

Literature cited by the submitters: PubMed 17576681; PubMed 9536098.